The following is an entry in ClinVar:

NM_000426.4(LAMA2):c.5968+5G>C

Gene: LAMA2 (laminin subunit alpha 2; plus strand). Cytogenetic location: 6q22.33.
Variant type: single nucleotide variant.
Coding change: c.5968+5G>C on transcript NM_000426.4 (MANE Select); 5 bases into the intron after coding-DNA position 5968, G replaced by C.
Molecular consequence: intron variant.
Genome position (GRCh38, 1-based): chr6:129,427,859, G>C. VCF-style: chr6-129427859-G-C. GRCh37 (hg19) VCF-style: chr6-129749004-G-C.
Other names: c.5968+5G>C (NM_001079823.2).
Identifiers: ClinVar variation 1699352 (VCV001699352.3), dbSNP rs1462533216, ClinGen allele CA1139532851.

ClinVar aggregate classification (germline): Uncertain significance (1 of 4 stars; one submission).

Conditions:
LAMA2-related muscular dystrophy (LAMA2-RD). Also called: Laminin alpha 2-related dystrophy. Identifiers: MedGen C5679788, MONDO:0100228.

Allele frequency attached by ClinVar (database versions not stated): gnomAD exomes below 0.00001.
gnomAD v4.1: 2 of 1,576,412 alleles (0.00013%); highest among the groups gnomAD compares: Non-Finnish European, 0.00017%; no homozygotes.

Submission:

Victorian Clinical Genetics Services, Murdoch Childrens Research Institute
Classification: Uncertain significance for LAMA2-related muscular dystrophy. Last evaluated: 2020-10-19. Review status: criteria provided, single submitter. Criteria: ACMG Guidelines, 2015. Collection method: clinical testing. Allele origin: germline. Inheritance: Autosomal recessive inheritance.
Comment: Based on the classification scheme VCGS_Germline_v1.3.3, this variant is classified as 3B-VUS. Following criteria are met: 0102 - Loss of function is a known mechanism of disease in this gene and is associated with muscular dystrophy. (I) 0106 - This gene is associated with autosomal recessive disease. (I) 0212 - Non-canonical splice site variant without proven consequence on splicing (no functional evidence available). (SP) 0251 - This variant is heterozygous. (I) 0304 - Variant is present in gnomAD (v3) <0.01 for a recessive condition (1 heterozygote, 0 homozygotes). (SP) 0311 - An alternative nucleotide at the same splice junction (c.5968+1G>T) is present in gnomAD (v3) (1 heterozygote, 0 homozygotes). (I) 0505 - Abnormal splicing is predicted by in silico tools and affected nucleotide is highly conserved. (SP) 0705 - No comparable non-canonical splice site variants have previous evidence for pathogenicity. (I) 0807 - This variant has no previous evidence of pathogenicity. (I) 0905 - No published segregation evidence has been identified for this variant. (I) 1007 - No published functional evidence has been identified for this variant. (I) 1208 - Inheritance information for this variant is not currently available in this individual. (I) Legend: (SP) - Supporting pathogenic, (I) - Information, (SB) - Supporting benign